The following is an entry in ClinVar:

ClinVar aggregate classification (germline): Benign. Review status: criteria provided, single submitter (1 of 4 stars). 2 submissions from 2 submitters: Benign (1). 1 of the submissions does not count toward it. Last evaluated 2026-08-01.

Conditions:
SATB1-related disorder. Also called: SATB1-related condition.

Submissions (2):

CeGaT Center for Human Genetics Tuebingen
Classification: Benign. Last evaluated: 2026-08-01. Review status: criteria provided, single submitter. Criteria: CeGaT Center For Human Genetics Tuebingen Variant Classification Criteria Version 2. Collection method: clinical testing. Allele origin: germline. Affected: yes. Observed: 10 variant alleles.
Comment: SATB1: BS1, BS2

PreventionGenetics, part of Exact Sciences
Classification: Likely benign for SATB1-related condition. Last evaluated: 2022-02-17. Review status: no assertion criteria provided. Collection method: clinical testing. Allele origin: germline. Not counted in ClinVar's aggregate classification.
Comment: This variant is classified as likely benign based on ACMG/AMP sequence variant interpretation guidelines (Richards et al. 2015 PMID: 25741868, with internal and published modifications).

NM_002971.6(SATB1):c.1801CAG[8] (p.Gln607_Ala608insGln)

Gene: SATB1 (SATB homeobox 1; minus strand). Cytogenetic location: 3p24.3.
Variant type: Microsatellite.
Coding change: c.1801CAG[8] on transcript NM_002971.6 (MANE Select); eight copies in a row of the 3-base unit CAG starting at c.1801; the reference has seven copies in a row; one copy, 3 bases duplicated.
Protein change: p.Gln607_Ala608insGln.
Molecular consequence: inframe insertion.
Genome position (GRCh38, 1-based): chr3:18,349,641-18,349,643, CTG duplicated on the plus strand (CAG on the coding strand, the reverse complement: SATB1 is on the minus strand); duplicating any 3 consecutive bases within chr3:18,349,641-18,349,661 gives the same sequence; the position shown is the placement nearest the transcript's 3' end. VCF-style (leftmost placement, unchanged base first): chr3-18349640-C-CCTG. GRCh37 (hg19) VCF-style: chr3-18391132-C-CCTG.
Other names: c.1915_1917dupCAG (NM_001195470.2); c.1801CAG[8], p.Gln607_Ala608insGln (NM_001131010.4, NM_001322872.2, NM_001322873.2 and 2 more transcripts); c.1897CAG[8], p.Gln639_Ala640insGln (NM_001195470.3, NM_001322871.2); c.1585CAG[8], p.Gln535_Ala536insGln (NM_001322876.2).
Identifiers: ClinVar variation 2653611 (VCV002653611.25), dbSNP rs759934751, ClinGen allele CA2281915.